The following is an entry in ClinVar:

ClinVar aggregate classification (germline): Uncertain significance (1 of 4 stars; one submission).

Submission:

Women's Health and Genetics/Laboratory Corporation of America, LabCorp
Classification: Uncertain significance. Last evaluated: 2026-01-20. Review status: criteria provided, single submitter. Criteria: LabCorp Variant Classification Summary - May 2015. Collection method: clinical testing. Allele origin: germline.
Comment: Variant summary: F8 c.5269T>C (p.Phe1757Leu) results in a non-conservative amino acid change in the encoded protein sequence. Algorithms developed to predict the effect of missense changes on protein structure and function all suggest that this variant is likely to be disruptive. The variant was absent in 183173 control chromosomes. The available data on variant occurrences in the general population are insufficient to allow any conclusion about variant significance. c.5269T>C has been observed in individual(s) affected with Factor VIII Deficiency (Hemophilia A) (Eckhardt_2013). These report(s) do not provide unequivocal conclusions about association of the variant with Factor VIII Deficiency (Hemophilia A). To our knowledge, no experimental evidence demonstrating an impact on protein function has been reported. The following publication have been ascertained in the context of this evaluation (PMID: 23926300). No submitters have cited clinical-significance assessments for this variant to ClinVar. Based on the evidence outlined above, the variant was classified as uncertain significance.

Literature cited by the submitters: PubMed 23926300.

NM_000132.4(F8):c.5269T>C (p.Phe1757Leu)

Gene: F8 (coagulation factor VIII; minus strand). Cytogenetic location: Xq28.
Variant type: single nucleotide variant.
Coding change: c.5269T>C on transcript NM_000132.4 (MANE Select); coding-DNA position 5269, T replaced by C.
Protein change: p.Phe1757Leu; replaces phenylalanine 1757 with leucine.
Molecular consequence: missense variant.
Genome position (GRCh38, 1-based): chrX:154,906,524, A>G on the plus strand (T>C on the coding strand, the complement: F8 is on the minus strand). VCF-style: chrX-154906524-A-G. GRCh37 (hg19) VCF-style: chrX-154134799-A-G.
Other names: short protein forms F1757L.
Identifiers: ClinVar variation 4689218 (VCV004689218.1).